The following is an entry in ClinVar:

NM_000202.8(IDS):c.1111C>T (p.Pro371Ser)

Genes: IDS (iduronate 2-sulfatase; minus strand), LOC106050102 (IDS recombination region; plus strand). Cytogenetic location: Xq28.
Variant type: single nucleotide variant.
Coding change: c.1111C>T on transcript NM_000202.8 (MANE Select); coding-DNA position 1111, C replaced by T.
Protein change: p.Pro371Ser; replaces proline 371 with serine.
Molecular consequence: missense variant.
Genome position (GRCh38, 1-based): chrX:149,486,994, G>A on the plus strand (C>T on the coding strand, the complement: IDS is on the minus strand). VCF-style: chrX-149486994-G-A. GRCh37 (hg19) VCF-style: chrX-148568525-G-A.
Other names: c.841C>T, p.Pro281Ser (NM_001166550.4); short protein forms P281S, P371S.
Identifiers: ClinVar variation 4802194 (VCV004802194.1).

ClinVar aggregate classification (germline): Uncertain significance (1 of 4 stars; one submission).

Conditions:
Mucopolysaccharidosis, MPS-II (MPS2). Also called: Attenuated MPS (subtype; formerly known as mild MPS II); Severe MPS II; I2S deficiency; MPS 2; Hunter Syndrome; IDS deficiency. Identifiers: Orphanet 580, Orphanet 79388, MedGen C0026705, MONDO:0010674, OMIM 309900.

Submission:

Labcorp Genetics (formerly Invitae), Labcorp
Classification: Uncertain significance for Mucopolysaccharidosis, MPS-II. Last evaluated: 2025-07-09. Review status: criteria provided, single submitter. Criteria: Invitae Variant Classification Sherloc (09022015). Collection method: clinical testing. Allele origin: germline.
Comment: This sequence change replaces proline, which is neutral and non-polar, with serine, which is neutral and polar, at codon 371 of the IDS protein (p.Pro371Ser). This variant is not present in population databases (gnomAD no frequency). This variant has not been reported in the literature in individuals affected with IDS-related conditions. Invitae Evidence Modeling of protein sequence and biophysical properties (such as structural, functional, and spatial information, amino acid conservation, physicochemical variation, residue mobility, and thermodynamic stability) has been performed for this missense variant. However, the output from this modeling did not meet the statistical confidence thresholds required to predict the impact of this variant on IDS protein function. In summary, the available evidence is currently insufficient to determine the role of this variant in disease. Therefore, it has been classified as a Variant of Uncertain Significance.